The following is an entry in ClinVar:

ClinVar aggregate classification (germline): Uncertain significance (1 of 4 stars; one submission).

Conditions:
Combined oxidative phosphorylation defect type 27. Also called: Combined oxidative phosphorylation deficiency 27. Identifiers: Orphanet 477774, MedGen C5567608, MONDO:0014728, OMIM 616672.

Allele frequency attached by ClinVar (database versions not stated): TOPMed below 0.00001; gnomAD 0.00001.

Submission:

Labcorp Genetics (formerly Invitae), Labcorp
Classification: Uncertain significance for Combined oxidative phosphorylation defect type 27. Last evaluated: 2024-11-08. Review status: criteria provided, single submitter. Criteria: Invitae Variant Classification Sherloc (09022015). Collection method: clinical testing. Allele origin: germline.
Comment: This sequence change replaces methionine, which is neutral and non-polar, with valine, which is neutral and non-polar, at codon 132 of the CARS2 protein (p.Met132Val). This variant is not present in population databases (gnomAD no frequency). This variant has not been reported in the literature in individuals affected with CARS2-related conditions. ClinVar contains an entry for this variant (Variation ID: 1447685). An algorithm developed to predict the effect of missense changes on protein structure and function (PolyPhen-2) suggests that this variant is likely to be tolerated. In summary, the available evidence is currently insufficient to determine the role of this variant in disease. Therefore, it has been classified as a Variant of Uncertain Significance.

NM_024537.4(CARS2):c.394A>G (p.Met132Val)

Gene: CARS2 (cysteinyl-tRNA synthetase 2, mitochondrial; minus strand). Cytogenetic location: 13q34.
Variant type: single nucleotide variant.
Coding change: c.394A>G on transcript NM_024537.4 (MANE Select); coding-DNA position 394, A replaced by G.
Protein change: p.Met132Val; replaces methionine 132 with valine.
Molecular consequence: missense variant. On other transcripts: 5 prime UTR variant (1), non-coding transcript variant (2).
Genome position (GRCh38, 1-based): chr13:110,688,018, T>C on the plus strand (A>G on the coding strand, the complement: CARS2 is on the minus strand). VCF-style: chr13-110688018-T-C. GRCh37 (hg19) VCF-style: chr13-111340365-T-C.
Other names: c.-606A>G (NM_001352252.2); c.394A>G, p.Met132Val (NM_001352253.3); short protein forms M132V.
Identifiers: ClinVar variation 1447685 (VCV001447685.6), dbSNP rs2063353822, ClinGen allele CA388738962.
Genomic context (GRCh38, chr13:110,688,018, plus strand): 5'-CCATGTCCTGCTTGAAGTCTTCCTCATAAAGACTGGCGAGGGAAGCGGGGGAAATATTCA[T>C]CTGCAGAAGGATTAGATGTGCACGTTAATGAGTCTGGGGCATTCGCAACAGAACCACCCA-3'
Protein context (NP_078813.1, residues 122-142): DDKIIKRANE[Met132Val]NISPASLASL